The following is an entry in ClinVar:

NM_033305.3(VPS13A):c.5234_5240del (p.Leu1745fs)

Gene: VPS13A (vacuolar protein sorting 13 homolog A; plus strand). Cytogenetic location: 9q21.2.
Variant type: Deletion.
Coding change: c.5234_5240del on transcript NM_033305.3 (MANE Select); coding-DNA positions 5234 to 5240, 7 bases deleted (TTCTGGC; older notation c.5234_5240delTTCTGGC).
Protein change: p.Leu1745fs; shifts the reading frame from leucine 1745.
Molecular consequence: frameshift variant.
Genome position (GRCh38, 1-based): chr9:77,318,512-77,318,518, TTCTGGC deleted; deleting any 7 consecutive bases within chr9:77,318,510-77,318,518 gives the same sequence; the c. name uses the placement nearest the transcript's 3' end. VCF-style (leftmost placement, unchanged base first): chr9-77318509-TGCTTCTG-T. GRCh37 (hg19) VCF-style: chr9-79933425-TGCTTCTG-T.
Other names: c.5117_5123del, p.Leu1706fs (NM_001018037.2); c.5234_5240del, p.Leu1745fs (NM_001018038.3, NM_015186.4); short protein forms L1706fs, L1745fs.
Identifiers: ClinVar variation 5013757 (VCV005013757.1).

ClinVar aggregate classification (germline): Pathogenic (1 of 4 stars; one submission).

Conditions:
VPS13A-related neurodegenerative disease. Also called: ACANTHOCYTOSIS WITH NEUROLOGIC DISORDER; LEVINE-CRITCHLEY SYNDROME; Choreoacanthocytosis; Chorea-acanthocytosis; Choreaacanthocytosis; VPS13A Disease. Identifiers: Orphanet 2388, MedGen C0393576, MONDO:0008695, OMIM 200150.

Submission:

Myriad Genetics, Inc.
Classification: Pathogenic for VPS13A-related neurodegenerative disease. Last evaluated: 2024-11-15. Review status: criteria provided, single submitter. Criteria: Myriad Autosomal Dominant, Autosomal Recessive and X-Linked Classification Criteria (2023). Collection method: clinical testing. Allele origin: unknown.
Comment: NM_033305.2(VPS13A):c.5234_5240del7(L1745Qfs*15) is expected to be pathogenic in the context of VPS13A disease. This variant is predicted to lead to an abnormal or absent protein product due to the creation of a premature termination codon in VPS13A, a gene where loss-of-function variants are known to be pathogenic. Please note: this variant was assessed in the context of healthy population screening.